The following is an entry in ClinVar:

NM_000465.4(BARD1):c.2301G>C (p.Val767=)

Gene: BARD1 (BRCA1 associated RING domain 1; minus strand). Cytogenetic location: 2q35.
Variant type: single nucleotide variant.
Coding change: c.2301G>C on transcript NM_000465.4 (MANE Select); coding-DNA position 2301, G replaced by C.
Protein change: p.Val767=; no amino-acid change (valine 767 retained).
Molecular consequence: synonymous variant. On other transcripts: non-coding transcript variant (3).
Genome position (GRCh38, 1-based): chr2:214,728,709, C>G on the plus strand (G>C on the coding strand, the complement: BARD1 is on the minus strand). VCF-style: chr2-214728709-C-G. GRCh37 (hg19) VCF-style: chr2-215593433-C-G.
Other names: c.2244G>C, p.Val748= (NM_001282543.2); c.948G>C, p.Val316= (NM_001282545.2); c.891G>C, p.Val297= (NM_001282548.2); c.762G>C, p.Val254= (NM_001282549.2); c.2301G>C (NM_000465.2).
Identifiers: ClinVar variation 2812826 (VCV002812826.5), dbSNP rs2105986191, ClinGen allele CA431392482.

ClinVar aggregate classification (germline): Benign/Likely benign. Review status: criteria provided, multiple submitters, no conflicts (2 of 4 stars). 3 submissions from 3 submitters: Benign (1); Likely benign (2). Last evaluated 2026-07-29.

Conditions:
Familial cancer of breast. Also called: BREAST CANCER, FAMILIAL; Hereditary breast cancer; hereditary breast carcinoma. Identifiers: Orphanet 227535, MedGen C0346153, MONDO:0016419, OMIM 114480. Disease mechanism: loss of function.
Hereditary cancer-predisposing syndrome. Also called: Hereditary Cancer Syndrome; Hereditary neoplastic syndrome; Neoplastic Syndromes, Hereditary; Tumor predisposition. Identifiers: Orphanet 140162, MedGen C0027672, MeSH D009386, MONDO:0015356.

Submissions (3):

Ambry Genetics
Classification: Likely benign for Hereditary cancer-predisposing syndrome. Last evaluated: 2026-07-29. Review status: criteria provided, single submitter. Criteria: Ambry Variant Classification Scheme 2023. Collection method: clinical testing. Allele origin: germline.

Myriad Genetics, Inc.
Classification: Benign for Familial cancer of breast. Last evaluated: 2024-07-30. Review status: criteria provided, single submitter. Criteria: Myriad Autosomal Dominant, Autosomal Recessive and X-Linked Classification Criteria (2023). Collection method: clinical testing. Allele origin: unknown.
Comment: This variant is considered benign. This variant is a silent/synonymous amino acid change and it is not expected to impact splicing.

Labcorp Genetics (formerly Invitae), Labcorp
Classification: Likely benign for Familial cancer of breast. Last evaluated: 2023-04-07. Review status: criteria provided, single submitter. Criteria: Invitae Variant Classification Sherloc (09022015). Collection method: clinical testing. Allele origin: germline.